The following is an entry in ClinVar:

ClinVar aggregate classification (germline): Pathogenic (1 of 4 stars; one submission).

Submission:

ISCA site 17
Classification: Pathogenic. Last evaluated: 2011-08-12. Review status: criteria provided, single submitter. Criteria: Kaminsky et al. (Genet Med. 2011). Collection method: clinical testing. Allele origin: unknown. Affected: yes. Observed: 1 variant allele.
Comment: Copy number variation identified through the course of routine clinical cytogenomic testing in postnatal populations. Clinical assertions have been curated as described in Kaminsky et al. 2011.

GRCh38/hg38 4q31.3-32.1(chr4:153656785-154928773)x1

Genes: DCHS2 (dachsous cadherin-related 2; minus strand), DCHS2-AS1 (DCHS2 antisense RNA 1; plus strand), FGA (fibrinogen alpha chain; minus strand), FGB (fibrinogen beta chain; plus strand), FGG (fibrinogen gamma chain; minus strand) and 36 more. Cytogenetic location: 4q31.3-32.1.
Variant type: copy number loss.
Change: copy number 1 (one copy instead of two) of chr4:153,656,785-154,928,773 (1.27 Mb, GRCh38 coordinates, 1-based), cytogenetic band 4q31.3-32.1.
Identifiers: ClinVar variation 59482 (VCV000059482.1).